The following is an entry in ClinVar:

NM_130384.3(ATRIP):c.833G>C (p.Ser278Thr)

Genes: ATRIP (ATR interacting protein; plus strand), ATRIP-TREX1 (ATRIP-TREX1 readthrough; plus strand). Cytogenetic location: 3p21.31.
Variant type: single nucleotide variant.
Coding change: c.833G>C on transcript NM_130384.3 (MANE Select); coding-DNA position 833, G replaced by C.
Protein change: p.Ser278Thr; replaces serine 278 with threonine.
Molecular consequence: missense variant. On other transcripts: non-coding transcript variant (1).
Genome position (GRCh38, 1-based): chr3:48,459,362, G>C. VCF-style: chr3-48459362-G-C. GRCh37 (hg19) VCF-style: chr3-48500761-G-C.
Other names: c.554G>C, p.Ser185Thr (NM_001271023.2); c.833G>C, p.Ser278Thr (NM_032166.4); c.452G>C, p.Ser151Thr (NM_001271022.2); short protein forms S185T, S278T, S151T.
Identifiers: ClinVar variation 2210457 (VCV002210457.5), dbSNP rs554411551, ClinGen allele CA2376076.

ClinVar aggregate classification (germline): Uncertain significance. Review status: criteria provided, multiple submitters, no conflicts (2 of 4 stars). 2 submissions from 2 submitters: Uncertain significance (2). Last evaluated 2024-11-20.

Allele frequency attached by ClinVar (database versions not stated): ExAC 0.00007; 1000 Genomes Project 30x 0.00016; 1000 Genomes Project 0.00020.
gnomAD v4.1: 37 of 1,613,598 alleles (0.0023%); highest among the groups gnomAD compares: South Asian, 0.041%; no homozygotes.

Submissions (2):

Ambry Genetics
Classification: Uncertain significance. Last evaluated: 2024-11-20. Review status: criteria provided, single submitter. Criteria: Ambry Variant Classification Scheme 2023. Collection method: clinical testing. Allele origin: germline.
Comment: The p.S278T variant (also known as c.833G>C), located in coding exon 6 of the ATRIP gene, results from a G to C substitution at nucleotide position 833. The serine at codon 278 is replaced by threonine, an amino acid with similar properties. This amino acid position is conserved. In addition, this alteration is predicted to be tolerated by in silico analysis. Based on the available evidence, the clinical significance of this variant remains unclear.

Labcorp Genetics (formerly Invitae), Labcorp
Classification: Uncertain significance. Last evaluated: 2022-11-08. Review status: criteria provided, single submitter. Criteria: Invitae Variant Classification Sherloc (09022015). Collection method: clinical testing. Allele origin: germline.
Comment: This sequence change replaces serine, which is neutral and polar, with threonine, which is neutral and polar, at codon 278 of the ATRIP protein (p.Ser278Thr). This variant is present in population databases (rs554411551, gnomAD 0.05%). This variant has not been reported in the literature in individuals affected with ATRIP-related conditions. Algorithms developed to predict the effect of missense changes on protein structure and function output the following: SIFT: "Tolerated"; PolyPhen-2: "Benign"; Align-GVGD: "Class C0". The threonine amino acid residue is found in multiple mammalian species, which suggests that this missense change does not adversely affect protein function. Algorithms developed to predict the effect of sequence changes on RNA splicing suggest that this variant may disrupt the consensus splice site. In summary, the available evidence is currently insufficient to determine the role of this variant in disease. Therefore, it has been classified as a Variant of Uncertain Significance.